The following is an entry in ClinVar:

NM_032656.4(DHX37):c.1113C>T (p.Ile371=)

Gene: DHX37 (DEAH-box helicase 37; minus strand). Cytogenetic location: 12q24.31.
Variant type: single nucleotide variant.
Coding change: c.1113C>T on transcript NM_032656.4 (MANE Select); coding-DNA position 1113, C replaced by T.
Protein change: p.Ile371=; no amino-acid change (isoleucine 371 retained).
Molecular consequence: synonymous variant.
Genome position (GRCh38, 1-based): chr12:124,971,380, G>A on the plus strand (C>T on the coding strand, the complement: DHX37 is on the minus strand). VCF-style: chr12-124971380-G-A. GRCh37 (hg19) VCF-style: chr12-125455926-G-A.
Identifiers: ClinVar variation 3388500 (VCV003388500.14).

ClinVar aggregate classification (germline): Likely benign (1 of 4 stars; one submission).

Submission:

CeGaT Center for Human Genetics Tuebingen
Classification: Likely benign. Last evaluated: 2024-10-01. Review status: criteria provided, single submitter. Criteria: CeGaT Center For Human Genetics Tuebingen Variant Classification Criteria Version 2. Collection method: clinical testing. Allele origin: germline. Affected: yes. Observed: 1 variant allele.
Comment: DHX37: BP4, BP7